The following is an entry in ClinVar:

ClinVar aggregate classification (germline): Uncertain significance (1 of 4 stars; one submission).

Allele frequency attached by ClinVar (database versions not stated): TOPMed below 0.00001.

Submission:

Labcorp Genetics (formerly Invitae), Labcorp
Classification: Uncertain significance. Last evaluated: 2022-06-13. Review status: criteria provided, single submitter. Criteria: Invitae Variant Classification Sherloc (09022015). Collection method: clinical testing. Allele origin: germline.
Comment: This variant is not present in population databases (gnomAD no frequency). In summary, the available evidence is currently insufficient to determine the role of this variant in disease. Therefore, it has been classified as a Variant of Uncertain Significance. Algorithms developed to predict the effect of missense changes on protein structure and function output the following: SIFT: "Deleterious"; PolyPhen-2: "Benign"; Align-GVGD: "Class C0". The serine amino acid residue is found in multiple mammalian species, which suggests that this missense change does not adversely affect protein function. This variant has not been reported in the literature in individuals affected with SEPT9-related conditions. This sequence change replaces proline, which is neutral and non-polar, with serine, which is neutral and polar, at codon 139 of the SEPT9 protein (p.Pro139Ser).

NM_001113491.2(SEPTIN9):c.469C>T (p.Pro157Ser)

Gene: SEPTIN9 (septin 9; plus strand). Cytogenetic location: 17q25.3.
Variant type: single nucleotide variant.
Coding change: c.469C>T on transcript NM_001113491.2 (MANE Select); coding-DNA position 469, C replaced by T.
Protein change: p.Pro157Ser; replaces proline 157 with serine.
Molecular consequence: missense variant. On other transcripts: 5 prime UTR variant (2).
Genome position (GRCh38, 1-based): chr17:77,402,451, C>T. VCF-style: chr17-77402451-C-T. GRCh37 (hg19) VCF-style: chr17-75398533-C-T.
Other names: c.-24C>T (NM_001113492.2, NM_001113494.1); c.448C>T, p.Pro150Ser (NM_001113493.2); c.412C>T, p.Pro138Ser (NM_001293695.2); c.415C>T, p.Pro139Ser (NM_006640.5); short protein forms P138S, P139S, P150S, P157S.
Identifiers: ClinVar variation 2445581 (VCV002445581.4), dbSNP rs777255119, ClinGen allele CA8793219.